The following is an entry in ClinVar:

NM_001939.3(DRP2):c.1041G>C (p.Gln347His)

Gene: DRP2 (dystrophin related protein 2; plus strand). Cytogenetic location: Xq22.1.
Variant type: single nucleotide variant.
Coding change: c.1041G>C on transcript NM_001939.3 (MANE Select); coding-DNA position 1041, G replaced by C.
Protein change: p.Gln347His; replaces glutamine 347 with histidine.
Molecular consequence: missense variant.
Genome position (GRCh38, 1-based): chrX:101,242,969, G>C. VCF-style: chrX-101242969-G-C. GRCh37 (hg19) VCF-style: chrX-100497958-G-C.
Other names: c.807G>C, p.Gln269His (NM_001171184.2); short protein forms Q269H, Q347H.
Identifiers: ClinVar variation 1472586 (VCV001472586.8), dbSNP rs374059898, ClinGen allele CA333089933.

ClinVar aggregate classification (germline): Uncertain significance (1 of 4 stars; one submission).

Allele frequency attached by ClinVar (database versions not stated): gnomAD exomes below 0.00001; gnomAD 0.00001; TOPMed 0.00001; ESP Exome Variant Server 0.00009.
gnomAD v4.1: 4 of 1,208,327 alleles (0.00033%); highest among the groups gnomAD compares: Non-Finnish European, 0.00034%; no homozygotes.

Submission:

Labcorp Genetics (formerly Invitae), Labcorp
Classification: Uncertain significance. Last evaluated: 2024-12-16. Review status: criteria provided, single submitter. Criteria: Invitae Variant Classification Sherloc (09022015). Collection method: clinical testing. Allele origin: germline.
Comment: This sequence change replaces glutamine, which is neutral and polar, with histidine, which is basic and polar, at codon 347 of the DRP2 protein (p.Gln347His). This variant is present in population databases (rs374059898, gnomAD 0.003%). This variant has not been reported in the literature in individuals affected with DRP2-related conditions. ClinVar contains an entry for this variant (Variation ID: 1472586). Invitae Evidence Modeling of protein sequence and biophysical properties (such as structural, functional, and spatial information, amino acid conservation, physicochemical variation, residue mobility, and thermodynamic stability) indicates that this missense variant is not expected to disrupt DRP2 protein function with a negative predictive value of 80%. In summary, the available evidence is currently insufficient to determine the role of this variant in disease. Therefore, it has been classified as a Variant of Uncertain Significance.